The following is an entry in ClinVar:

ClinVar aggregate classification (germline): Uncertain significance (1 of 4 stars; one submission).

Conditions:
Neurodevelopmental disorder with or without anomalies of the brain, eye, or heart (NEDBEH). Identifiers: Orphanet 494344, MedGen C5567477, MONDO:0014857, OMIM 616975.

Submission:

Centre for Mendelian Genomics, University Medical Centre Ljubljana
Classification: Uncertain significance for Neurodevelopmental disorder with or without anomalies of the brain, eye, or heart. Last evaluated: 2020-03-23. Review status: criteria provided, single submitter. Criteria: ACMG Guidelines, 2015. Collection method: clinical testing. Allele origin: unknown. Affected: yes.
Comment: This variant was classified as: Uncertain significance. The available evidence on this variant's pathogenicity is insufficient or conflicting. The following ACMG criteria were applied in classifying this variant: PM2.

NM_001042681.2(RERE):c.635G>A (p.Gly212Glu)

Gene: RERE (arginine-glutamic acid dipeptide repeats; minus strand). Cytogenetic location: 1p36.23.
Variant type: single nucleotide variant.
Coding change: c.635G>A on transcript NM_001042681.2 (MANE Select); coding-DNA position 635, G replaced by A.
Protein change: p.Gly212Glu; replaces glycine 212 with glutamic acid.
Molecular consequence: missense variant.
Genome position (GRCh38, 1-based): chr1:8,556,565, C>T on the plus strand (G>A on the coding strand, the complement: RERE is on the minus strand). VCF-style: chr1-8556565-C-T. GRCh37 (hg19) VCF-style: chr1-8616624-C-T.
Other names: c.635G>A, p.Gly212Glu (NM_012102.4); short protein forms G212E.
Identifiers: ClinVar variation 930704 (VCV000930704.3), dbSNP rs1646009052, ClinGen allele CA338224959.